The following is an entry in ClinVar:

NM_001384732.1(CPLANE1):c.5263A>G (p.Asn1755Asp)

Gene: CPLANE1 (ciliogenesis and planar polarity effector complex subunit 1; minus strand). Cytogenetic location: 5p13.2.
Variant type: single nucleotide variant.
Coding change: c.5263A>G on transcript NM_001384732.1 (MANE Select); coding-DNA position 5263, A replaced by G.
Protein change: p.Asn1755Asp; replaces asparagine 1755 with aspartic acid.
Molecular consequence: missense variant.
Genome position (GRCh38, 1-based): chr5:37,182,918, T>C on the plus strand (A>G on the coding strand, the complement: CPLANE1 is on the minus strand). VCF-style: chr5-37182918-T-C. GRCh37 (hg19) VCF-style: chr5-37183020-T-C.
Other names: c.5263A>G, p.Asn1755Asp (NM_023073.4); short protein forms N1755D.
Identifiers: ClinVar variation 2186704 (VCV002186704.2), dbSNP rs142400753, ClinGen allele CA3238585.
Genomic context (GRCh38, chr5:37,182,918, plus strand): 5'-TTACTGGACTGTACTCAGAGGATGACTCAGTTATACCAGAATCACAGAGTAGCCTTCTAT[T>C]AGACCACCTTATCATCCATTCCAGCAGTCTTCCTATACTGCCAAAAGTGTTTAGTGCTAA-3'
Protein context (NP_001371661.1, residues 1745-1765): RLLEWMIRWS[Asn1755Asp]RRLLCDSGIT

ClinVar aggregate classification (germline): Conflicting classifications of pathogenicity. Review status: criteria provided, conflicting classifications (1 of 4 stars). 2 submissions from 2 submitters: Uncertain significance (1); Likely benign (1). Last evaluated 2024-09-20.

Conditions:
Orofaciodigital syndrome type 6 (OFD6). Also called: OROFACIODIGITAL SYNDROME VI; OFDS VI; POLYDACTYLY, CLEFT LIP/PALATE OR LINGUAL LUMP, AND PSYCHOMOTOR RETARDATION; VARADI SYNDROME; VARADI-PAPP SYNDROME; Oral-facial-digital syndrome type 6. Identifiers: Orphanet 2754, MedGen C2745997, MONDO:0010176, OMIM 277170.
Joubert syndrome 17 (JBTS17). Identifiers: Orphanet 475, MedGen C3553264, MONDO:0013824, OMIM 614615.

Allele frequency attached by ClinVar (database versions not stated): ExAC 0.00002; ESP Exome Variant Server 0.00008.
gnomAD v4.1: 9 of 1,606,066 alleles (0.00056%); highest among the groups gnomAD compares: East Asian, 0.011%; no homozygotes.

Submissions (2):

3billion
Classification: Likely benign for Joubert syndrome 17; Orofaciodigital syndrome type 6. Last evaluated: 2024-09-20. Review status: criteria provided, single submitter. Criteria: ACMG Guidelines, 2015. Collection method: clinical testing. Allele origin: germline. Affected: no.
Comment: The homozygous variant was found in patients diagnosed with another variant in a different gene, with no symptoms related to the gene containing the homozygous variant.

Labcorp Genetics (formerly Invitae), Labcorp
Classification: Uncertain significance. Last evaluated: 2022-02-20. Review status: criteria provided, single submitter. Criteria: Invitae Variant Classification Sherloc (09022015). Collection method: clinical testing. Allele origin: germline.
Comment: This sequence change replaces asparagine, which is neutral and polar, with aspartic acid, which is acidic and polar, at codon 1755 of the CPLANE1 protein (p.Asn1755Asp). This variant is present in population databases (rs142400753, gnomAD 0.02%). This variant has not been reported in the literature in individuals affected with CPLANE1-related conditions. Advanced modeling of protein sequence and biophysical properties (such as structural, functional, and spatial information, amino acid conservation, physicochemical variation, residue mobility, and thermodynamic stability) performed at Invitae indicates that this missense variant is not expected to disrupt CPLANE1 protein function. In summary, the available evidence is currently insufficient to determine the role of this variant in disease. Therefore, it has been classified as a Variant of Uncertain Significance.